The following is an entry in ClinVar:

NM_000198.4(HSD3B2):c.818_819del (p.Lys273fs)

Gene: HSD3B2 (hydroxy-delta-5-steroid dehydrogenase, 3 beta- and steroid delta-isomerase 2; plus strand). Cytogenetic location: 1p12.
Variant type: Deletion.
Coding change: c.818_819del on transcript NM_000198.4 (MANE Select); coding-DNA positions 818 to 819, 2 bases deleted (AA; older notation c.818_819delAA).
Protein change: p.Lys273fs; shifts the reading frame from lysine 273.
Molecular consequence: frameshift variant.
Genome position (GRCh38, 1-based): chr1:119,422,319-119,422,320, AA deleted; deleting any 2 consecutive bases within chr1:119,422,318-119,422,320 gives the same sequence; the c. name uses the placement nearest the transcript's 3' end. VCF-style (leftmost placement, unchanged base first): chr1-119422317-CAA-C. GRCh37 (hg19) VCF-style: chr1-119964940-CAA-C.
Other names: c.818_819delAA (NM_000198.3); c.818_819del, p.Lys273fs (NM_001166120.2); c.818_819del (NM_001166120.1); short protein forms K273fs.
Identifiers: ClinVar variation 586031 (VCV000586031.13), dbSNP rs754609778, ClinGen allele CA1036045.

ClinVar aggregate classification (germline): Pathogenic. Review status: criteria provided, multiple submitters, no conflicts (2 of 4 stars). 7 submissions from 7 submitters: Pathogenic (7). Last evaluated 2025-12-28.

Conditions:
Congenital adrenal hyperplasia. Identifiers: Orphanet 418, MedGen C0001627, MONDO:0018479, HP:0008258.
HSD3B2-related disorder. Also called: HSD3B2-related condition.
3 beta-Hydroxysteroid dehydrogenase deficiency. Also called: 3b-hydroxysteroid dehydrogenase deficiency; 3-BETA-HSD DEFICIENCY; ADRENAL HYPERPLASIA II; Congenital adrenal hyperplasia due to 3-beta-hydroxysteroid dehydrogenase deficiency; ADRENAL HYPERPLASIA, CONGENITAL, DUE TO 3-BETA-HYDROXYSTEROID DEHYDROGENASE 2 DEFICIENCY. Identifiers: Orphanet 90791, MedGen C0342471, MeSH C538236, MONDO:0008727, OMIM 201810. Disease mechanism: loss of function.
HSD3B2-related disorders.

Submissions (7):

PreventionGenetics, part of Exact Sciences
Classification: Pathogenic for HSD3B2-related condition. Last evaluated: 2025-12-28. Review status: criteria provided, single submitter. Criteria: ACMG Guidelines, 2015. Collection method: clinical testing. Allele origin: germline.
Comment: The HSD3B2 c.818_819delAA variant is predicted to result in a frameshift and premature protein termination (p.Lys273Argfs*7). This variant was reported in the homozygous or compound heterozygous state in individuals with congenital adrenal hyperplasia (CAH) due to 3-beta-hydroxysteroid dehydrogenase 2 deficiency (Simard et al. 1994. PubMed ID: 8004103; Leka-Emiri et al. 2021. PubMed ID: 34628416). This variant is reported in 0.026% of alleles in individuals of South Asian descent in gnomAD. Frameshift variants in HSD3B2 are expected to be pathogenic. This variant is interpreted as pathogenic.

Victorian Clinical Genetics Services, Murdoch Childrens Research Institute
Classification: Pathogenic for 3 beta-Hydroxysteroid dehydrogenase deficiency. Last evaluated: 2025-07-09. Review status: criteria provided, single submitter. Criteria: ACMG Guidelines, 2015. Collection method: clinical testing. Allele origin: germline. Affected: no.
Comment: This variant is classified as Pathogenic. Evidence in support of pathogenic classification: Variant is predicted to result in a truncated protein (premature termination codon is NOT located at least 54 nucleotides upstream of the final exon-exon junction) with less than 1/3 of the protein sequence affected; Variant is present in gnomAD <0.01 for a recessive condition (v4: 13 heterozygote(s), 0 homozygote(s)); This variant has strong previous evidence of pathogenicity in unrelated individuals. This variant has been classified as pathogenic by multiple clinical laboratories (ClinVar). This variant has been reported in homozygous infants and compound heterozygous individuals affected with HSD3B2 deficiency (PMIDs: 8004103, 12608938, 4628416). - Other protein truncating variant(s) comparable to the one identified in this case have very strong previous evidence for pathogenicity (DECIPHER). Additional information: This variant is heterozygous; This gene is associated with autosomal recessive disease; No published functional evidence has been identified for this variant; Loss of function is a known mechanism of disease in this gene and is associated with adrenal hyperplasia, congenital, due to 3-beta-hydroxysteroid dehydrogenase 2 deficiency (MIM#201810).

Clinical Biochemistry Laboratory, Health Services Laboratory
Classification: Pathogenic for 3 beta-Hydroxysteroid dehydrogenase deficiency. Last evaluated: 2023-11-20. Review status: criteria provided, single submitter. Criteria: ACMG Guidelines, 2015. Collection method: clinical testing. Allele origin: germline. Affected: yes.
Comment: ACMG:PVS1 PM2 PP3 PP4

Labcorp Genetics (formerly Invitae), Labcorp
Classification: Pathogenic. Last evaluated: 2023-09-27. Review status: criteria provided, single submitter. Criteria: Invitae Variant Classification Sherloc (09022015). Collection method: clinical testing. Allele origin: germline.
Comment: This sequence change creates a premature translational stop signal (p.Lys273Argfs*7) in the HSD3B2 gene. While this is not anticipated to result in nonsense mediated decay, it is expected to disrupt the last 100 amino acid(s) of the HSD3B2 protein. This variant is present in population databases (rs754609778, gnomAD 0.02%). This premature translational stop signal has been observed in individual(s) with 3-beta-hydroxysteroid dehydrogenase deficiency (PMID: 8004103). This variant is also known as 273deltaAA. ClinVar contains an entry for this variant (Variation ID: 586031). This variant disrupts a region of the HSD3B2 protein in which other variant(s) (p.Arg335*) have been determined to be pathogenic (PMID: 18252794, 31006099). This suggests that this is a clinically significant region of the protein, and that variants that disrupt it are likely to be disease-causing. For these reasons, this variant has been classified as Pathogenic.

Women's Health and Genetics/Laboratory Corporation of America, LabCorp
Classification: Pathogenic for Congenital adrenal hyperplasia. Last evaluated: 2022-11-15. Review status: criteria provided, single submitter. Criteria: LabCorp Variant Classification Summary - May 2015. Collection method: clinical testing. Allele origin: germline.
Comment: Variant summary: HSD3B2 c.818_819delAA (p.Lys273ArgfsX7) results in a premature termination codon, which is predicted to cause a truncation of the encoded protein. Truncations downstream of this position have been classified as pathogenic by our laboratory. The variant allele was found at a frequency of 3.2e-05 in 251282 control chromosomes (gnomAD). c.818_819delAA has been reported in the literature in multiple individuals affected with Congenital Adrenal Hyperplasia (e.g. Chang_1995, Simard_1994, Marui_2000, Leka-Emiri_2022). These data indicate that the variant is very likely to be associated with disease. To our knowledge, no experimental evidence demonstrating an impact on protein function has been reported. Two ClinVar submitters have assessed the variant since 2014: both classified the variant as pathogenic. Based on the evidence outlined above, the variant was classified as pathogenic.

Blueprint Genetics
Classification: Pathogenic for HSD3B2-related disorders. Last evaluated: 2021-05-17. Review status: criteria provided, single submitter. Criteria: ACMG Guidelines, 2015. Collection method: clinical testing. Allele origin: germline. Affected: yes. Observed: 2 variant alleles.

Athena Diagnostics
Classification: Pathogenic. Last evaluated: 2017-09-15. Review status: criteria provided, single submitter. Criteria: Athena Diagnostics Criteria. Collection method: clinical testing. Allele origin: germline.

Literature cited by the submitters: PubMed 8004103 (cited by 4 submitters); PubMed 12608938 (cited by Victorian Clinical Genetics Services, Murdoch Childrens Research Institute); PubMed 4628416 (cited by Victorian Clinical Genetics Services, Murdoch Childrens Research Institute); PubMed 18252794 (cited by Labcorp Genetics (formerly Invitae), Labcorp); PubMed 31006099 (cited by Labcorp Genetics (formerly Invitae), Labcorp); PubMed 7651769 (cited by Women's Health and Genetics/Laboratory Corporation of America, LabCorp); PubMed 34628416 (cited by Women's Health and Genetics/Laboratory Corporation of America, LabCorp); PubMed 10651755 (cited by Women's Health and Genetics/Laboratory Corporation of America, LabCorp).